The following is an entry in ClinVar:

ClinVar aggregate classification (germline): Uncertain significance. Review status: criteria provided, multiple submitters, no conflicts (2 of 4 stars). 2 submissions from 2 submitters: Uncertain significance (2). Last evaluated 2023-10-19.

Conditions:
Cardiovascular phenotype. Identifiers: MedGen CN230736.
Catecholaminergic polymorphic ventricular tachycardia 1. Also called: RYR2-Related Catecholaminergic Polymorphic Ventricular Tachycardia; VENTRICULAR TACHYCARDIA, CATECHOLAMINERGIC POLYMORPHIC, 1, WITH OR WITHOUT ATRIAL DYSFUNCTION AND/OR DILATED CARDIOMYOPATHY; VENTRICULAR TACHYCARDIA, STRESS-INDUCED POLYMORPHIC 1. Identifiers: Orphanet 3286, MedGen C1631597, MONDO:0011484, OMIM 604772.

Allele frequency attached by ClinVar (database versions not stated): gnomAD exomes 0.00001; TOPMed 0.00002.
gnomAD v4.1: 14 of 1,553,814 alleles (0.0009%); highest among the groups gnomAD compares: Middle Eastern, 0.017%; no homozygotes.

Submissions (2):

Ambry Genetics
Classification: Uncertain significance for Cardiovascular phenotype. Last evaluated: 2023-10-19. Review status: criteria provided, single submitter. Criteria: Ambry Variant Classification Scheme 2023. Collection method: clinical testing. Allele origin: germline.
Comment: The p.R271Q variant (also known as c.812G>A), located in coding exon 9 of the TRDN gene, results from a G to A substitution at nucleotide position 812. The arginine at codon 271 is replaced by glutamine, an amino acid with highly similar properties. This amino acid position is highly conserved in available vertebrate species. In addition, the in silico prediction for this alteration is inconclusive. Since supporting evidence is limited at this time, the clinical significance of this alteration remains unclear.

Labcorp Genetics (formerly Invitae), Labcorp
Classification: Uncertain significance for Catecholaminergic polymorphic ventricular tachycardia 1. Last evaluated: 2022-03-29. Review status: criteria provided, single submitter. Criteria: Invitae Variant Classification Sherloc (09022015). Collection method: clinical testing. Allele origin: germline.
Comment: This sequence change replaces arginine, which is basic and polar, with glutamine, which is neutral and polar, at codon 271 of the TRDN protein (p.Arg271Gln). This variant is not present in population databases (gnomAD no frequency). This variant has not been reported in the literature in individuals affected with TRDN-related conditions. ClinVar contains an entry for this variant (Variation ID: 519526). Algorithms developed to predict the effect of missense changes on protein structure and function are either unavailable or do not agree on the potential impact of this missense change (SIFT: "Deleterious"; PolyPhen-2: "Probably Damaging"; Align-GVGD: "Class C0"). Algorithms developed to predict the effect of sequence changes on RNA splicing suggest that this variant may disrupt the consensus splice site. In summary, the available evidence is currently insufficient to determine the role of this variant in disease. Therefore, it has been classified as a Variant of Uncertain Significance.

NM_006073.4(TRDN):c.812G>A (p.Arg271Gln)

Gene: TRDN (triadin; minus strand). Cytogenetic location: 6q22.31.
Variant type: single nucleotide variant.
Coding change: c.812G>A on transcript NM_006073.4 (MANE Select); coding-DNA position 812, G replaced by A.
Protein change: p.Arg271Gln; replaces arginine 271 with glutamine.
Molecular consequence: missense variant. On other transcripts: intron variant (1).
Genome position (GRCh38, 1-based): chr6:123,497,234, C>T on the plus strand (G>A on the coding strand, the complement: TRDN is on the minus strand). VCF-style: chr6-123497234-C-T. GRCh37 (hg19) VCF-style: chr6-123818379-C-T.
Other names: c.812G>A, p.Arg271Gln (NM_001251987.2); c.793+6485G>A (NM_001256020.2); short protein forms R271Q.
Identifiers: ClinVar variation 519526 (VCV000519526.7), dbSNP rs772783444, ClinGen allele CA365567327.
Genomic context (GRCh38, chr6:123,497,234, plus strand): 5'-CAAGAATTGCTTGGAATACCTGGTTTTAAATCCCCATGGACAAATATGTCAATCATATAT[C>T]GACAGAATGCATACTGATCTGACAGAGTAGAAAGAAAAAGAGCAATGAAAAAATGTCATC-3'
Protein context (NP_006064.2, residues 261-281): HEQKDQYAFC[Arg271Gln]YMIDIFVHGD